The following is an entry in ClinVar:

NM_033395.2(CEP295):c.1245G>A (p.Thr415=)

Gene: CEP295 (centrosomal protein 295; plus strand). Cytogenetic location: 11q21.
Variant type: single nucleotide variant.
Coding change: c.1245G>A on transcript NM_033395.2 (MANE Select); coding-DNA position 1245, G replaced by A.
Protein change: p.Thr415=; no amino-acid change (threonine 415 retained).
Molecular consequence: synonymous variant.
Genome position (GRCh38, 1-based): chr11:93,687,774, G>A. VCF-style: chr11-93687774-G-A. GRCh37 (hg19) VCF-style: chr11-93420940-G-A.
Identifiers: ClinVar variation 4872620 (VCV004872620.2).
Genomic context (GRCh38, chr11:93,687,774, plus strand): 5'-AAGCCAAAAATCTCTCTGGACAATTAAATCTATGTCTGAGGATGAAAGTGAAATGATTAC[G>A]ACTGTTAGTGAAATTGAGAGTAAAGCACCAACGGTTGAGTCAGGAACAATTGCCAGCAAA-3'
Protein context (NP_203753.1, residues 405-425): SMSEDESEMI[Thr415=]TVSEIESKAP

ClinVar aggregate classification (germline): Likely benign (1 of 4 stars; one submission).

gnomAD v4.1: 71 of 1,551,238 alleles (0.0046%); highest among the groups gnomAD compares: Middle Eastern, 0.017%; no homozygotes.

Submission:

CeGaT Center for Human Genetics Tuebingen
Classification: Likely benign. Last evaluated: 2026-04-01. Review status: criteria provided, single submitter. Criteria: CeGaT Center For Human Genetics Tuebingen Variant Classification Criteria Version 2. Collection method: clinical testing. Allele origin: germline. Affected: yes. Observed: 2 variant alleles.
Comment: CEP295: BP4, BP7